The following is an entry in ClinVar:

NM_000038.6(APC):c.4376C>T (p.Thr1459Ile)

Gene: APC (APC regulator of Wnt signaling pathway; plus strand). Cytogenetic location: 5q22.2.
Variant type: single nucleotide variant.
Coding change: c.4376C>T on transcript NM_000038.6 (MANE Select); coding-DNA position 4376, C replaced by T.
Protein change: p.Thr1459Ile; replaces threonine 1459 with isoleucine.
Molecular consequence: missense variant. On other transcripts: non-coding transcript variant (2).
Genome position (GRCh38, 1-based): chr5:112,839,970, C>T. VCF-style: chr5-112839970-C-T. GRCh37 (hg19) VCF-style: chr5-112175667-C-T.
Other names: c.4376C>T, p.Thr1459Ile (NM_001127510.3, NM_001354895.2, NM_001407450.1); c.4322C>T, p.Thr1441Ile (NM_001127511.3); c.4430C>T, p.Thr1477Ile (NM_001354896.2, NM_001407447.1, NM_001407448.1 and 1 more transcripts); c.4406C>T, p.Thr1469Ile (NM_001354897.2); c.4301C>T, p.Thr1434Ile (NM_001354898.2); c.4292C>T, p.Thr1431Ile (NM_001354899.2); c.4253C>T, p.Thr1418Ile (NM_001354900.2); c.4199C>T, p.Thr1400Ile (NM_001354901.2, NM_001407453.1); and 11 more; short protein forms T1075I, T1176I, T1299I, T1330I, T1333I, T1358I, T1368I, T1376I.
Identifiers: ClinVar variation 2629636 (VCV002629636.2), dbSNP rs756048549, ClinGen allele CA16030914.

ClinVar aggregate classification (germline): Uncertain significance. Review status: criteria provided, multiple submitters, no conflicts (2 of 4 stars). 2 submissions from 2 submitters: Uncertain significance (2). Last evaluated 2025-09-16.

Conditions:
Hereditary cancer-predisposing syndrome. Also called: Tumor predisposition; Neoplastic Syndromes, Hereditary; Hereditary neoplastic syndrome; Hereditary Cancer Syndrome. Identifiers: Orphanet 140162, MedGen C0027672, MeSH D009386, MONDO:0015356.
APC-related disorder. Also called: APC-related condition.

Submissions (2):

Ambry Genetics
Classification: Uncertain significance for Hereditary cancer-predisposing syndrome. Last evaluated: 2025-09-16. Review status: criteria provided, single submitter. Criteria: Ambry Variant Classification Scheme 2023. Collection method: clinical testing. Allele origin: germline.
Comment: The p.T1459I variant (also known as c.4376C>T), located in coding exon 15 of the APC gene, results from a C to T substitution at nucleotide position 4376. The threonine at codon 1459 is replaced by isoleucine, an amino acid with similar properties. This amino acid position is conserved. In addition, in silico predictors for this gene do not accurately predict pathogenicity. Based on the available evidence, the clinical significance of this variant remains unclear.

PreventionGenetics, part of Exact Sciences
Classification: Uncertain significance for APC-related condition. Last evaluated: 2023-01-26. Review status: criteria provided, single submitter. Criteria: ACMG Guidelines, 2015. Collection method: clinical testing. Allele origin: germline.
Comment: The APC c.4376C>T variant is predicted to result in the amino acid substitution p.Thr1459Ile. To our knowledge, this variant has not been reported in the literature or in a large population database, indicating this variant is rare. At this time, the clinical significance of this variant is uncertain due to the absence of conclusive functional and genetic evidence.